The following is an entry in ClinVar:

ClinVar aggregate classification (germline): Uncertain significance (1 of 4 stars; one submission).

Allele frequency attached by ClinVar (database versions not stated): gnomAD exomes below 0.00001.
gnomAD v4.1: 1 of 1,614,022 alleles (0.000062%); highest among the groups gnomAD compares: Admixed American, 0.0017%; no homozygotes.

Submission:

Labcorp Genetics (formerly Invitae), Labcorp
Classification: Uncertain significance. Last evaluated: 2023-07-17. Review status: criteria provided, single submitter. Criteria: Invitae Variant Classification Sherloc (09022015). Collection method: clinical testing. Allele origin: germline.
Comment: This sequence change falls in intron 2 of the GLYCTK gene. It does not directly change the encoded amino acid sequence of the GLYCTK protein. It affects a nucleotide within the consensus splice site. In summary, the available evidence is currently insufficient to determine the role of this variant in disease. Therefore, it has been classified as a Variant of Uncertain Significance. Variants that disrupt the consensus splice site are a relatively common cause of aberrant splicing (PMID: 17576681, 9536098). Algorithms developed to predict the effect of sequence changes on RNA splicing suggest that this variant is not likely to affect RNA splicing. ClinVar contains an entry for this variant (Variation ID: 2200507). This variant has not been reported in the literature in individuals affected with GLYCTK-related conditions. This variant is present in population databases (no rsID available, gnomAD 0.003%).

Literature cited by the submitters: PubMed 17576681; PubMed 9536098.

NM_145262.4(GLYCTK):c.378-3C>T

Gene: GLYCTK (glycerate kinase; plus strand). Cytogenetic location: 3p21.2.
Variant type: single nucleotide variant.
Coding change: c.378-3C>T on transcript NM_145262.4 (MANE Select); 3 bases into the intron before coding-DNA position 378, C replaced by T.
Molecular consequence: intron variant.
Genome position (GRCh38, 1-based): chr3:52,290,957, C>T. VCF-style: chr3-52290957-C-T. GRCh37 (hg19) VCF-style: chr3-52324973-C-T.
Other names: c.378-3C>T (NM_001144951.2).
Identifiers: ClinVar variation 2200507 (VCV002200507.4), dbSNP rs1394122235, ClinGen allele CA542899623.